The following is an entry in ClinVar:

NM_015192.4(PLCB1):c.1379A>G (p.Tyr460Cys)

Gene: PLCB1 (phospholipase C beta 1; plus strand). Cytogenetic location: 20p12.3.
Variant type: single nucleotide variant.
Coding change: c.1379A>G on transcript NM_015192.4 (MANE Select); coding-DNA position 1379, A replaced by G.
Protein change: p.Tyr460Cys; replaces tyrosine 460 with cysteine.
Molecular consequence: missense variant.
Genome position (GRCh38, 1-based): chr20:8,717,714, A>G. VCF-style: chr20-8717714-A-G. GRCh37 (hg19) VCF-style: chr20-8698361-A-G.
Other names: c.1379A>G, p.Tyr460Cys (NM_182734.3); short protein forms Y460C.
Identifiers: ClinVar variation 656687 (VCV000656687.8), dbSNP rs1600272774, ClinGen allele CA408200992.

ClinVar aggregate classification (germline): Uncertain significance (1 of 4 stars; one submission).

Conditions:
Developmental and epileptic encephalopathy, 12 (DEE12). Identifiers: MedGen C3150988, MONDO:0013389, OMIM 613722.

Submission:

Labcorp Genetics (formerly Invitae), Labcorp
Classification: Uncertain significance for Developmental and epileptic encephalopathy, 12. Last evaluated: 2021-08-28. Review status: criteria provided, single submitter. Criteria: Invitae Variant Classification Sherloc (09022015). Collection method: clinical testing. Allele origin: germline.
Comment: This sequence change replaces tyrosine with cysteine at codon 460 of the PLCB1 protein (p.Tyr460Cys). The tyrosine residue is moderately conserved and there is a large physicochemical difference between tyrosine and cysteine. This variant is not present in population databases (ExAC no frequency). This variant has not been reported in the literature in individuals affected with PLCB1-related conditions. Algorithms developed to predict the effect of missense changes on protein structure and function (SIFT, PolyPhen-2, Align-GVGD) all suggest that this variant is likely to be tolerated. In summary, the available evidence is currently insufficient to determine the role of this variant in disease. Therefore, it has been classified as a Variant of Uncertain Significance.